The following is an entry in ClinVar:

NM_000426.4(LAMA2):c.8782A>G (p.Ser2928Gly)

Gene: LAMA2 (laminin subunit alpha 2; plus strand). Cytogenetic location: 6q22.33.
Variant type: single nucleotide variant.
Coding change: c.8782A>G on transcript NM_000426.4 (MANE Select); coding-DNA position 8782, A replaced by G.
Protein change: p.Ser2928Gly; replaces serine 2928 with glycine.
Molecular consequence: missense variant.
Genome position (GRCh38, 1-based): chr6:129,507,567, A>G. VCF-style: chr6-129507567-A-G. GRCh37 (hg19) VCF-style: chr6-129828712-A-G.
Other names: c.8770A>G, p.Ser2924Gly (NM_001079823.2); short protein forms S2924G, S2928G.
Identifiers: ClinVar variation 2200228 (VCV002200228.2), dbSNP rs780262871, ClinGen allele CA3994918.

ClinVar aggregate classification (germline): Uncertain significance (1 of 4 stars; one submission).

Conditions:
LAMA2-related muscular dystrophy (LAMA2-RD). Also called: Laminin alpha 2-related dystrophy. Identifiers: MedGen C5679788, MONDO:0100228.

Allele frequency attached by ClinVar (database versions not stated): TOPMed below 0.00001; ExAC 0.00001; gnomAD 0.00001; gnomAD exomes 0.00001.
gnomAD v4.1: 12 of 1,614,060 alleles (0.00074%); highest among the groups gnomAD compares: Non-Finnish European, 0.001%; no homozygotes.

Submission:

Labcorp Genetics (formerly Invitae), Labcorp
Classification: Uncertain significance for LAMA2-related muscular dystrophy. Last evaluated: 2023-05-08. Review status: criteria provided, single submitter. Criteria: Invitae Variant Classification Sherloc (09022015). Collection method: clinical testing. Allele origin: germline.
Comment: In summary, the available evidence is currently insufficient to determine the role of this variant in disease. Therefore, it has been classified as a Variant of Uncertain Significance. Advanced modeling of protein sequence and biophysical properties (such as structural, functional, and spatial information, amino acid conservation, physicochemical variation, residue mobility, and thermodynamic stability) performed at Invitae indicates that this missense variant is not expected to disrupt LAMA2 protein function. ClinVar contains an entry for this variant (Variation ID: 2200228). This variant has not been reported in the literature in individuals affected with LAMA2-related conditions. This variant is present in population databases (rs780262871, gnomAD 0.0009%). This sequence change replaces serine, which is neutral and polar, with glycine, which is neutral and non-polar, at codon 2928 of the LAMA2 protein (p.Ser2928Gly).